The following is an entry in ClinVar:

ClinVar aggregate classification (germline): Likely benign. Review status: criteria provided, single submitter (1 of 4 stars). 2 submissions from 2 submitters: Likely benign (1). 1 of the submissions does not count toward it. Last evaluated 2022-08-01.

Conditions:
CAPN15-related disorder. Also called: CAPN15-related condition.

Allele frequency attached by ClinVar (database versions not stated): TOPMed 0.00010; gnomAD 0.00011; gnomAD exomes 0.00015; 1000 Genomes Project 30x 0.00016; 1000 Genomes Project 0.00020; ESP Exome Variant Server 0.00023; ExAC 0.00034.
gnomAD v4.1: 233 of 1,609,568 alleles (0.014%); highest among the groups gnomAD compares: South Asian, 0.085%; 2 homozygotes.

Submissions (2):

CeGaT Center for Human Genetics Tuebingen
Classification: Likely benign. Last evaluated: 2022-08-01. Review status: criteria provided, single submitter. Criteria: CeGaT Center For Human Genetics Tuebingen Variant Classification Criteria Version 2. Collection method: clinical testing. Allele origin: germline. Affected: yes. Observed: 1 variant allele.
Comment: CAPN15: BP4, BP7

PreventionGenetics, part of Exact Sciences
Classification: Likely benign for CAPN15-related condition. Last evaluated: 2019-09-18. Review status: no assertion criteria provided. Collection method: clinical testing. Allele origin: germline. Not counted in ClinVar's aggregate classification.
Comment: This variant is classified as likely benign based on ACMG/AMP sequence variant interpretation guidelines (Richards et al. 2015 PMID: 25741868, with internal and published modifications).

NM_005632.3(CAPN15):c.2622C>T (p.Arg874=)

Gene: CAPN15 (calpain 15; plus strand). Cytogenetic location: 16p13.3.
Variant type: single nucleotide variant.
Coding change: c.2622C>T on transcript NM_005632.3 (MANE Select); coding-DNA position 2622, C replaced by T.
Protein change: p.Arg874=; no amino-acid change (arginine 874 retained).
Molecular consequence: synonymous variant.
Genome position (GRCh38, 1-based): chr16:552,415, C>T. VCF-style: chr16-552415-C-T. GRCh37 (hg19) VCF-style: chr16-602415-C-T.
Other names: c.2622C>T (NM_005632.2).
Identifiers: ClinVar variation 2645813 (VCV002645813.25), dbSNP rs371731942, ClinGen allele CA7778854.